The following is an entry in ClinVar:

ClinVar aggregate classification (germline): Uncertain significance (1 of 4 stars; one submission).

Conditions:
ENHANCED S-CONE SYNDROME 1 (ESCS1). Also called: RETINOSCHISIS WITH EARLY HEMERALOPIA; FAVRE HYALOIDEORETINAL DEGENERATION. Identifiers: MedGen CN380299, OMIM 268100.

Submission:

Victorian Clinical Genetics Services, Murdoch Childrens Research Institute
Classification: Uncertain significance for ENHANCED S-CONE SYNDROME 1. Last evaluated: 2025-06-05. Review status: criteria provided, single submitter. Criteria: ACMG Guidelines, 2015. Collection method: clinical testing. Allele origin: germline.
Comment: This variant is classified as VUS-3A. Evidence in support of pathogenic classification: Variant is absent from gnomAD (v2, v3 and v4); Another missense variant comparable to the one identified in this case has moderate previous evidence for pathogenicity. The p.(Met407Lys) variant has been classified as likely pathogenic and pathogenic in ClinVar. It has also been reported in a homozygous state in at least one individual with enhanced S-cone syndrome and in a compound heterozygous state in an individual with retinal dystrophy (PMIDs: 10655056, 29971438, 28541266). Another comparable missense variant, p.(Met407Ile), has been classified as a VUS in ClinVar; Variant is located in the well-established H12 domain. This residue has been reported to be important for dimer formation, protein localisation and NR2E3 interaction with other proteins (PMIDs: 19898638, 25703721). Additional information: Variant is predicted to result in a missense amino acid change from methionine to valine; This variant is homozygous; This gene is associated with both recessive and dominant disease (OMIM); Alternative amino acid change(s) at the same position are present in gnomAD (highest alelle count: v4: 6 heterozygote(s), 0 homozygote(s)); This variant has no previous evidence of pathogenicity; No published segregation evidence has been identified for this variant; No published functional evidence has been identified for this variant; Missense variant with inconclusive in silico prediction and/or uninformative conservation; Dominant negative and loss of function are known mechanisms of disease in this gene and are associated with recessive enhanced S-cone syndrome (MIM#268100), and both dominant and recessive retinitis pigmentosa 37 (RP37; MIM#611131). Missense variants with a dominant negative mechanism have been rarely reported to cause dominant RP37, whereas loss of function variants cause recessive RP37 or enhanced S-cone syndrome (ClinVar, PMID: 19006237); Variants in this gene are known to have variable expressivity in individuals with enhanced S-cone syndrome (PMID: 32679203).

Literature cited by the submitters: PubMed 29971438; PubMed 28541266; PubMed 19006237; PubMed 19898638; PubMed 32679203; PubMed 10655056; PubMed 25703721.

NM_014249.4(NR2E3):c.1219A>G (p.Met407Val)

Gene: NR2E3 (nuclear receptor subfamily 2 group E member 3; plus strand). Cytogenetic location: 15q23.
Variant type: single nucleotide variant.
Coding change: c.1219A>G on transcript NM_014249.4 (MANE Select); coding-DNA position 1219, A replaced by G.
Protein change: p.Met407Val; replaces methionine 407 with valine.
Molecular consequence: missense variant.
Genome position (GRCh38, 1-based): chr15:71,817,670, A>G. VCF-style: chr15-71817670-A-G. GRCh37 (hg19) VCF-style: chr15-72110011-A-G.
Other names: short protein forms M407V.
Identifiers: ClinVar variation 3376767 (VCV003376767.3).
Genomic context (GRCh38, chr15:71,817,670, plus strand): 5'-GAGCTCCTCTTTTTCCGCAAGACCATAGGGAATACTCCAATGGAGAAGCTCCTTTGTGAT[A>G]TGTTCAAAAACTAGTGGGGGTGGAGGTGAAATGTTTCCAAGCACTCTGGAAAACAATCTA-3'
Protein context (NP_055064.1, residues 397-410): NTPMEKLLCD[Met407Val]FKN